The following is an entry in ClinVar:

NM_001009999.3(KDM1A):c.1263C>G (p.Asp421Glu)

Gene: KDM1A (lysine demethylase 1A; plus strand). Cytogenetic location: 1p36.12.
Variant type: single nucleotide variant.
Coding change: c.1263C>G on transcript NM_001009999.3 (MANE Select); coding-DNA position 1263, C replaced by G.
Protein change: p.Asp421Glu; replaces aspartic acid 421 with glutamic acid.
Molecular consequence: missense variant.
Genome position (GRCh38, 1-based): chr1:23,068,622, C>G. VCF-style: chr1-23068622-C-G. GRCh37 (hg19) VCF-style: chr1-23395115-C-G.
Other names: c.1191C>G, p.Asp397Glu (NM_001363654.2, NM_001410763.1, NM_015013.4); c.1251C>G, p.Asp417Glu (NM_001410762.1); short protein forms D397E, D417E, D421E.
Identifiers: ClinVar variation 5023086 (VCV005023086.1).
Genomic context (GRCh38, chr1:23,068,622, plus strand): 5'-GGTAGAGCAAGAGTTTAACCGGTTGCTAGAAGCTACATCTTACCTTAGTCATCAACTAGA[C>G]TTCAATGTCCTCAATAATAAGCCTGTGTCCCTTGGCCAGGCATTGGAAGTTGTCATTCAG-3'
Protein context (NP_001009999.1, residues 411-431): EATSYLSHQL[Asp421Glu]FNVLNNKPVS

ClinVar aggregate classification (germline): Uncertain significance (1 of 4 stars; one submission).

Conditions:
Inborn genetic diseases. Identifiers: MedGen C0950123, MeSH D030342.

Submission:

Ambry Genetics
Classification: Uncertain significance for Inborn genetic diseases. Last evaluated: 2026-08-04. Review status: criteria provided, single submitter. Criteria: Ambry Variant Classification Scheme 2023. Collection method: clinical testing. Allele origin: germline.
Comment: The p.D421E variant (also known as c.1263C>G), located in coding exon 11 of the KDM1A gene, results from a C to G substitution at nucleotide position 1263. The aspartic acid at codon 421 is replaced by glutamic acid, an amino acid with highly similar properties. This amino acid position is conserved. In addition, the in silico prediction for this alteration is inconclusive. Based on the available evidence, the clinical significance of this variant remains unclear.